The following is an entry in ClinVar:

NM_003482.4(KMT2D):c.9472C>G (p.Gln3158Glu)

Gene: KMT2D (lysine methyltransferase 2D; minus strand). Cytogenetic location: 12q13.12.
Variant type: single nucleotide variant.
Coding change: c.9472C>G on transcript NM_003482.4 (MANE Select); coding-DNA position 9472, C replaced by G.
Protein change: p.Gln3158Glu; replaces glutamine 3158 with glutamic acid.
Molecular consequence: missense variant.
Genome position (GRCh38, 1-based): chr12:49,037,884, G>C on the plus strand (C>G on the coding strand, the complement: KMT2D is on the minus strand). VCF-style: chr12-49037884-G-C. GRCh37 (hg19) VCF-style: chr12-49431667-G-C.
Other names: short protein forms Q3158E.
Identifiers: ClinVar variation 1699692 (VCV001699692.2), dbSNP rs1354914741, ClinGen allele CA384737739.
Genomic context (GRCh38, chr12:49,037,884, plus strand): 5'-GCCCACTGCTAGAAAATGGCCCTGTGCCCATCCGGGTATCCCGGCTGCCCATCATGCTCT[G>C]TCCTGGCTTTAGCCCCAGGCCAAGGGAATTGGCAGCAGGTGCGGGCTCTACCTTGGGGGT-3'
Protein context (NP_003473.3, residues 3148-3168): NSLGLGLKPG[Gln3158Glu]SMMGSRDTRM

ClinVar aggregate classification (germline): Uncertain significance (1 of 4 stars; one submission).

Allele frequency attached by ClinVar (database versions not stated): TOPMed below 0.00001.

Submission:

GeneDx
Classification: Uncertain significance. Last evaluated: 2022-01-27. Review status: criteria provided, single submitter. Criteria: GeneDx Variant Classification Process June 2021. Collection method: clinical testing. Allele origin: germline. Affected: yes.
Comment: Not observed at significant frequency in large population cohorts (gnomAD); In silico analysis supports that this missense variant does not alter protein structure/function; Has not been previously published as pathogenic or benign to our knowledge